The following is an entry in ClinVar:

ClinVar aggregate classification (germline): Uncertain significance (1 of 4 stars; one submission).

Conditions:
Aortic aneurysm, familial thoracic 4 (AAT4). Also called: AORTIC ANEURYSM/AORTIC DISSECTION AND PATENT DUCTUS ARTERIOSUS. Identifiers: MedGen C1851504, MONDO:0007568, OMIM 132900.

Allele frequency attached by ClinVar (database versions not stated): gnomAD exomes below 0.00001.
gnomAD v4.1: 2 of 1,609,848 alleles (0.00012%); highest among the groups gnomAD compares: Non-Finnish European, 0.00017%; no homozygotes.

Submission:

Baylor Genetics
Classification: Uncertain significance for Aortic aneurysm, familial thoracic 4. Last evaluated: 2019-06-13. Review status: criteria provided, single submitter. Criteria: ACMG Guidelines, 2015. Collection method: clinical testing. Allele origin: unknown. Affected: yes.
Comment: This variant was determined to be of uncertain significance according to ACMG Guidelines, 2015 [PMID:25741868].

NM_002474.3(MYH11):c.5787-4721C>G

Genes: NDE1 (nudE neurodevelopment protein 1; plus strand), MYH11 (myosin heavy chain 11; minus strand). Cytogenetic location: 16p13.11.
Variant type: single nucleotide variant.
Coding change: c.5787-4721C>G on transcript NM_002474.3 (MANE Select); 4721 bases into the intron before coding-DNA position 5787, C replaced by G.
Molecular consequence: intron variant.
Genome position (GRCh38, 1-based): chr16:15,708,844, G>C on the plus strand (C>G on the coding strand, the complement: MYH11 is on the minus strand). VCF-style: chr16-15708844-G-C. GRCh37 (hg19) VCF-style: chr16-15802701-G-C.
Other names: c.947+11984G>C (NM_001143979.2, NM_017668.3); c.5787-3C>G (NM_022844.3); c.5808-4721C>G (NM_001040114.2); c.5808-3C>G (NM_001040113.2).
Identifiers: ClinVar variation 1028983 (VCV001028983.1), dbSNP rs2039615122, ClinGen allele CA2209912550.
Genomic context (GRCh38, chr16:15,708,844, plus strand): 5'-GAAGCTGAAGGCATGATACCTGGTGCATCACTGCGAAGTTTCCTGTGGGGGGGGCCCTCT[G>C]AAACAGAGAGAGAATCCCCGGAGGTTACCATCAGCAAACAAGAAGGAGCCCGGTTAAGTA-3'